The following is an entry in ClinVar:

NM_001164508.2(NEB):c.12018+1G>A

Gene: NEB (nebulin; minus strand). Cytogenetic location: 2q23.3.
Variant type: single nucleotide variant.
Coding change: c.12018+1G>A on transcript NM_001164508.2 (MANE Select); the canonical splice donor site of the intron after coding-DNA position 12018, G replaced by A.
Molecular consequence: splice donor variant.
Genome position (GRCh38, 1-based): chr2:151,610,515, C>T on the plus strand (G>A on the coding strand, the complement: NEB is on the minus strand). VCF-style: chr2-151610515-C-T. GRCh37 (hg19) VCF-style: chr2-152467029-C-T.
Other names: c.11289+1G>A (NM_004543.5); c.12018+1G>A (NM_001164507.2, NM_001271208.2).
Identifiers: ClinVar variation 265494 (VCV000265494.21), dbSNP rs762278237, ClinGen allele CA1908612.

ClinVar aggregate classification (germline): Pathogenic/Likely pathogenic. Review status: criteria provided, multiple submitters, no conflicts (2 of 4 stars). 9 submissions from 9 submitters: Pathogenic (3); Likely pathogenic (5). 1 of the submissions does not count toward it. Last evaluated 2025-04-23.

Conditions:
Nemaline myopathy 2 (NEM2). Also called: Nemaline myopathy 2, autosomal recessive. Identifiers: MedGen C1850569, MONDO:0009725, OMIM 256030.
Arthrogryposis multiplex congenita 6. Identifiers: MedGen C5543431, MONDO:0030281, OMIM 619334.
Nemaline myopathy. Also called: Myopathies, Nemaline. Identifiers: Orphanet 607, MedGen C0206157, MONDO:0018958.

Allele frequency attached by ClinVar (database versions not stated): gnomAD exomes 0.00001; ExAC 0.00002; gnomAD 0.00003; TOPMed 0.00002.
gnomAD v4.1: 23 of 1,601,214 alleles (0.0014%); highest among the groups gnomAD compares: Non-Finnish European, 0.0018%; no homozygotes.

Submissions (9):

Natera, Inc.
Classification: Pathogenic for Nemaline myopathy type 2. Last evaluated: 2025-04-23. Review status: criteria provided, single submitter. Criteria: Natera Variant Classification Schema (03/2026). Collection method: clinical testing. Allele origin: germline.
Comment: The c.12018+1G>A variant in NEB is a canonical splice donor site variant predicted to affect pre-mRNA splicing, which may result in an abnormal transcript and altered protein product. This variant may result in a truncated or dysfunctional protein product. This variant is rare in the general population with a frequency below the threshold expected for the associated phenotype(s). This variant has been observed in one or more individuals affected with the associated recessive disease, as either homozygous or compound heterozygous with a second variant (PMID: 38544359, 38187705). Functional studies show that this variant may disrupt protein function (PMID: 38187705). Given the available evidence, this variant is classified as Pathogenic.

Women's Health and Genetics/Laboratory Corporation of America, LabCorp
Classification: Likely pathogenic for Nemaline myopathy. Last evaluated: 2025-02-04. Review status: criteria provided, single submitter. Criteria: LabCorp Variant Classification Summary - May 2015. Collection method: clinical testing. Allele origin: germline.
Comment: Variant summary: NEB c.12018+1G>A is located in a canonical splice-site and is predicted to affect mRNA splicing resulting in a significantly altered protein due to either exon skipping, shortening, or inclusion of intronic material. Variants that disrupt the consensus splice site are a relatively common cause of aberrant splicing and loss of NEB function. Several computational tools predict a significant impact on normal splicing: Four predict the variant abolishes a canonical 5' splicing donor site. However, these predictions have yet to be confirmed by functional studies. The variant allele was found at a frequency of 1.2e-05 in 248618 control chromosomes. c.12018+1G>A has been reported in the literature in individuals affected with Nemaline Myopathy (examples: Lehtokari_2014, Marchant_2024). These data indicate that the variant may be associated with disease. To our knowledge, no experimental evidence demonstrating an impact on protein function has been reported. The following publications have been ascertained in the context of this evaluation (PMID: 25205138, 38544359). ClinVar contains an entry for this variant (Variation ID: 265494). Based on the evidence outlined above, the variant was classified as likely pathogenic.

Labcorp Genetics (formerly Invitae), Labcorp
Classification: Pathogenic for Nemaline myopathy 2. Last evaluated: 2024-08-01. Review status: criteria provided, single submitter. Criteria: Invitae Variant Classification Sherloc (09022015). Collection method: clinical testing. Allele origin: germline.
Comment: This sequence change affects a donor splice site in intron 80 of the NEB gene. It is expected to disrupt RNA splicing. Variants that disrupt the donor or acceptor splice site typically lead to a loss of protein function (PMID: 16199547), and loss-of-function variants in NEB are known to be pathogenic (PMID: 25205138). This variant is present in population databases (rs762278237, gnomAD 0.003%). Disruption of this splice site has been observed in individuals with autosomal recessive nemaline myopathy (PMID: 25205138). ClinVar contains an entry for this variant (Variation ID: 265494). Algorithms developed to predict the effect of sequence changes on RNA splicing suggest that this variant may disrupt the consensus splice site. For these reasons, this variant has been classified as Pathogenic.

Fulgent Genetics
Classification: Likely pathogenic for Nemaline myopathy 2; Arthrogryposis multiplex congenita 6. Last evaluated: 2024-03-07. Review status: criteria provided, single submitter. Criteria: ACMG Guidelines, 2015. Collection method: clinical testing. Allele origin: germline.

Myriad Genetics, Inc.
Classification: Likely pathogenic for Nemaline myopathy 2. Last evaluated: 2021-11-03. Review status: criteria provided, single submitter. Criteria: Myriad Women's Health Autosomal Recessive and X-Linked Classification Criteria (2021). Collection method: clinical testing. Allele origin: unknown.
Comment: NM_001271208.1(NEB):c.12018+1G>A is a canonical splice variant classified as likely pathogenic in the context of NEB-related nemaline myopathy. c.12018+1G>A has been observed in cases with relevant disease (PMID: 25205138). Functional assessments of this variant are not available in the literature. c.12018+1G>A has been observed in population frequency databases (gnomAD: AMR 0.003%). In summary, NM_001271208.1(NEB):c.12018+1G>A is a canonical splice variant that has been observed more frequently in cases with the relevant disease than in healthy populations. Please note: this variant was assessed in the context of healthy population screening.

GeneDx
Classification: Likely pathogenic. Last evaluated: 2019-12-24. Review status: criteria provided, single submitter. Criteria: GeneDx Variant Classification Process June 2021. Collection method: clinical testing. Allele origin: germline. Affected: yes.
Comment: Canonical splice site variant predicted to result in an in-frame deletion of a critical region; Not observed at a significant frequency in large population cohorts (Lek et al., 2016); Deletions involving coding exons in this gene are frequently reported as pathogenic, regardless of frame prediction (Stenson et al., 2014); The c.12018+1 G>A variant has been reported previously in the presence of a second NEB variant, in two unrelated individual with nemaline myopathy, however, no other phenotypic or family information was available (Lehtokari et al., 2014); This variant is associated with the following publications: (PMID: 25205138, 31589614)

Broad Center for Mendelian Genomics, Broad Institute of MIT and Harvard
Classification: Likely pathogenic for Nemaline myopathy 2. Last evaluated: 2018-12-03. Review status: criteria provided, single submitter. Criteria: ACMG Guidelines, 2015. Collection method: research. Allele origin: germline. Inheritance: Autosomal recessive inheritance. Affected: yes.
Comment: This variant has been reported in the compound heterozygous state, with a splice site variant and a frameshift variant, in two additional, unrelated individuals (PMID: 25205138). The presence of this variant in combination with a reported pathogenic variant and in several individual with nemaline myopathy increases the likelihood that the c.12018+1G>A variant is pathogenic. This variant has been identified in 0.002981% (1/33548) of Latino chromosomes and 0.001798% (2/111260) of European (non-Finnish) chromsomes by the Genome Aggregation Database (gnomAD; dbSNP rs762278237). Although this variant has been seen in the general population, its frequency is low enough to be consistent with a recessive carrier frequency. The c.12018+1G>A variant occurs in the invariant region (+/- 1/2) of the splice consensus sequence and is predicted to remove a splicing site, causing abnormal splicing that does not result in a frameshift in the reading frame. Loss of function of the NEB gene is an established disease mechanism for autosomal recessive nemaline myopathy. In summary, although additional studies are required to fully establish its clinical significance, the c.12018+1G>A variant is likely pathogenic. ACMG/AMP Criteria applied: PM2, PVS1_Moderate, PM3_Strong (Richards 2015).

Eurofins Ntd Llc (ga)
Classification: Pathogenic. Last evaluated: 2016-12-21. Review status: criteria provided, single submitter. Criteria: EGL Classification Definitions 2015. Collection method: clinical testing. Allele origin: germline. Observed: 1 variant allele, 1 heterozygote.

Genomics England Pilot Project, Genomics England
Classification: Pathogenic for Nemaline myopathy 2. Review status: no assertion criteria provided. Criteria: ACGS Guidelines, 2016. Collection method: clinical testing. Allele origin: germline. Affected: yes. Not counted in ClinVar's aggregate classification.

Literature cited by the submitters: PubMed 38544359 (cited by Natera, Inc. and Women's Health and Genetics/Laboratory Corporation of America, LabCorp); PubMed 38187705 (cited by Natera, Inc.); PubMed 25205138 (cited by 4 submitters); PubMed 16199547 (cited by Labcorp Genetics (formerly Invitae), Labcorp).